The following is an entry in ClinVar:

ClinVar aggregate classification (germline): Likely benign. Review status: criteria provided, multiple submitters, no conflicts (2 of 4 stars). 2 submissions from 2 submitters: Likely benign (2). Last evaluated 2026-08-01.

gnomAD v4.1: 632 of 1,614,172 alleles (0.039%); highest among the groups gnomAD compares: African/African-American, 0.69%; 5 homozygotes.

Submissions (2):

CeGaT Center for Human Genetics Tuebingen
Classification: Likely benign. Last evaluated: 2026-08-01. Review status: criteria provided, single submitter. Criteria: CeGaT Center For Human Genetics Tuebingen Variant Classification Criteria Version 2. Collection method: clinical testing. Allele origin: germline. Affected: yes. Observed: 1 variant allele.
Comment: ZNFX1: BP4, BP7

Blueprint Genetics
Classification: Likely benign. Last evaluated: 2024-08-06. Review status: criteria provided, single submitter. Criteria: ACMG Guidelines, 2015. Collection method: clinical testing. Allele origin: germline.

NM_021035.3(ZNFX1):c.5604G>A (p.Thr1868=)

Gene: ZNFX1 (zinc finger NFX1-type containing 1; minus strand). Cytogenetic location: 20q13.13.
Variant type: single nucleotide variant.
Coding change: c.5604G>A on transcript NM_021035.3 (MANE Select); coding-DNA position 5604, G replaced by A.
Protein change: p.Thr1868=; no amino-acid change (threonine 1868 retained).
Molecular consequence: synonymous variant.
Genome position (GRCh38, 1-based): chr20:49,247,420, C>T on the plus strand (G>A on the coding strand, the complement: ZNFX1 is on the minus strand). VCF-style: chr20-49247420-C-T. GRCh37 (hg19) VCF-style: chr20-47863957-C-T.
Identifiers: ClinVar variation 4945261 (VCV004945261.2).
Genomic context (GRCh38, chr20:49,247,420, plus strand): 5'-CTGGTTGCTTCTTTCCAGAGTATGATTTGTGCCACCAATCACTTCCTTACAGTCAGGACA[C>T]GTGCCCCTCTCCATGGCTCCCCCACAATCGCCAATCACATAGATATGGCCATTGCGGCAC-3'
Protein context (NP_066363.1, residues 1858-1878): GDCGGAMERG[Thr1868=]CPDCKEVIGG